The following is an entry in ClinVar:

ClinVar aggregate classification (germline): Uncertain significance (1 of 4 stars; one submission).

Conditions:
Intellectual developmental disorder, autosomal dominant 6, with or without seizures. Also called: GRIN2B-related developmental delay, intellectual disability and autism spectrum disorder; Intellectual disability, autosomal dominant 6. Identifiers: Orphanet 589547, MedGen C3151411, MONDO:0013509, OMIM 613970.
Developmental and epileptic encephalopathy, 27 (DEE27). Also called: GRIN2B-Related Neurodevelopmental Disorder; Epileptic encephalopathy, early infantile, 27. Identifiers: Orphanet 3451, MedGen C4015316, MONDO:0014505, OMIM 616139.

Allele frequency attached by ClinVar (database versions not stated): TOPMed below 0.00001; ExAC 0.00001; gnomAD 0.00001; ESP Exome Variant Server 0.00008.
gnomAD v4.1: 29 of 1,614,076 alleles (0.0018%); highest among the groups gnomAD compares: Non-Finnish European, 0.0025%; no homozygotes.

Submission:

Labcorp Genetics (formerly Invitae), Labcorp
Classification: Uncertain significance for Developmental and epileptic encephalopathy, 27; Intellectual developmental disorder, autosomal dominant 6, with or without seizures. Last evaluated: 2024-07-06. Review status: criteria provided, single submitter. Criteria: Invitae Variant Classification Sherloc (09022015). Collection method: clinical testing. Allele origin: germline.
Comment: This sequence change replaces threonine, which is neutral and polar, with serine, which is neutral and polar, at codon 1279 of the GRIN2B protein (p.Thr1279Ser). This variant is present in population databases (rs372152403, gnomAD 0.0009%). This variant has not been reported in the literature in individuals affected with GRIN2B-related conditions. ClinVar contains an entry for this variant (Variation ID: 1369003). Advanced modeling of protein sequence and biophysical properties (such as structural, functional, and spatial information, amino acid conservation, physicochemical variation, residue mobility, and thermodynamic stability) performed at Invitae indicates that this missense variant is not expected to disrupt GRIN2B protein function with a negative predictive value of 95%. In summary, the available evidence is currently insufficient to determine the role of this variant in disease. Therefore, it has been classified as a Variant of Uncertain Significance.

NM_000834.5(GRIN2B):c.3835A>T (p.Thr1279Ser)

Gene: GRIN2B (glutamate ionotropic receptor NMDA type subunit 2B; minus strand). Cytogenetic location: 12p13.1.
Variant type: single nucleotide variant.
Coding change: c.3835A>T on transcript NM_000834.5 (MANE Select); coding-DNA position 3835, A replaced by T.
Protein change: p.Thr1279Ser; replaces threonine 1279 with serine.
Molecular consequence: missense variant.
Genome position (GRCh38, 1-based): chr12:13,563,403, T>A on the plus strand (A>T on the coding strand, the complement: GRIN2B is on the minus strand). VCF-style: chr12-13563403-T-A. GRCh37 (hg19) VCF-style: chr12-13716337-T-A.
Other names: short protein forms T1279S.
Identifiers: ClinVar variation 1369003 (VCV001369003.8), dbSNP rs372152403, ClinGen allele CA6460835.